The following is an entry in ClinVar:

NM_005068.3(SIM1):c.804T>C (p.His268=)

Gene: SIM1 (SIM bHLH transcription factor 1; minus strand). Cytogenetic location: 6q16.3.
Variant type: single nucleotide variant.
Coding change: c.804T>C on transcript NM_005068.3 (MANE Select); coding-DNA position 804, T replaced by C.
Protein change: p.His268=; no amino-acid change (histidine 268 retained).
Molecular consequence: synonymous variant.
Genome position (GRCh38, 1-based): chr6:100,448,192, A>G on the plus strand (T>C on the coding strand, the complement: SIM1 is on the minus strand). VCF-style: chr6-100448192-A-G. GRCh37 (hg19) VCF-style: chr6-100896068-A-G.
Other names: c.804T>C, p.His268= (NM_001374769.1).
Identifiers: ClinVar variation 354684 (VCV000354684.11), dbSNP rs761256648, ClinGen allele CA3937206.

ClinVar aggregate classification (germline): Conflicting classifications of pathogenicity. Review status: criteria provided, conflicting classifications (1 of 4 stars). 3 submissions from 3 submitters: Uncertain significance (1); Likely benign (1). 1 of the submissions does not count toward it. Last evaluated 2025-07-27.

Conditions:
Obesity due to SIM1 deficiency. Identifiers: Orphanet 369873, MedGen C5191050, MONDO:0018244.
SIM1-related disorder. Also called: SIM1-related disorders; SIM1-related condition.

Allele frequency attached by ClinVar (database versions not stated): TOPMed 0.00002.
gnomAD v4.1: 76 of 1,613,876 alleles (0.0047%); highest among the groups gnomAD compares: Middle Eastern, 0.016%; no homozygotes.

Submissions (3):

Labcorp Genetics (formerly Invitae), Labcorp
Classification: Likely benign. Last evaluated: 2025-07-27. Review status: criteria provided, single submitter. Criteria: Invitae Variant Classification Sherloc (09022015). Collection method: clinical testing. Allele origin: germline.

Illumina Laboratory Services, Illumina
Classification: Uncertain significance for Obesity due to SIM1 deficiency. Last evaluated: 2018-01-13. Review status: criteria provided, single submitter. Criteria: ICSL Variant Classification Criteria 13 December 2019. Collection method: clinical testing. Allele origin: germline.

PreventionGenetics, part of Exact Sciences
Classification: Likely benign for SIM1-related condition. Last evaluated: 2020-12-04. Review status: no assertion criteria provided. Collection method: clinical testing. Allele origin: germline. Not counted in ClinVar's aggregate classification.
Comment: This variant is classified as likely benign based on ACMG/AMP sequence variant interpretation guidelines (Richards et al. 2015 PMID: 25741868, with internal and published modifications).